The following is an entry in ClinVar:

NM_005476.7(GNE):c.1042C>T (p.His348Tyr)

Gene: GNE (glucosamine (UDP-N-acetyl)-2-epimerase/N-acetylmannosamine kinase; minus strand). Cytogenetic location: 9p13.3.
Variant type: single nucleotide variant.
Coding change: c.1042C>T on transcript NM_005476.7 (MANE Select); coding-DNA position 1042, C replaced by T.
Protein change: p.His348Tyr; replaces histidine 348 with tyrosine.
Molecular consequence: missense variant.
Genome position (GRCh38, 1-based): chr9:36,229,049, G>A on the plus strand (C>T on the coding strand, the complement: GNE is on the minus strand). VCF-style: chr9-36229049-G-A. GRCh37 (hg19) VCF-style: chr9-36229046-G-A.
Other names: c.1135C>T, p.His379Tyr (NM_001128227.3); c.1042C>T, p.His348Tyr (NM_001190383.3); c.712C>T, p.His238Tyr (NM_001190384.3); c.865C>T, p.His289Tyr (NM_001190388.2, NM_001374798.1); c.889C>T, p.His297Tyr (NM_001374797.1); short protein forms H238Y, H289Y, H297Y, H348Y, H379Y.
Identifiers: ClinVar variation 2581566 (VCV002581566.1), dbSNP rs779720450, ClinGen allele CA5056594.

ClinVar aggregate classification (germline): Uncertain significance (1 of 4 stars; one submission).

Allele frequency attached by ClinVar (database versions not stated): ExAC 0.00001; gnomAD 0.00001.
gnomAD v4.1: 1 of 1,608,790 alleles (0.000062%); highest among the groups gnomAD compares: Non-Finnish European, 0.000085%; no homozygotes.

Submission:

Women's Health and Genetics/Laboratory Corporation of America, LabCorp
Classification: Uncertain significance. Last evaluated: 2023-08-08. Review status: criteria provided, single submitter. Criteria: LabCorp Variant Classification Summary - May 2015. Collection method: clinical testing. Allele origin: germline.
Comment: Variant summary: GNE c.1135C>T (p.His379Tyr) results in a conservative amino acid change located in the UDP-N-acetylglucosamine 2-epimerase domain (IPR003331) of the encoded protein sequence. Three of five in-silico tools predict a damaging effect of the variant on protein function. The variant allele was found at a frequency of 4e-06 in 251450 control chromosomes (gnomAD). The available data on variant occurrences in the general population are insufficient to allow any conclusion about variant significance. To our knowledge, no occurrence of c.1135C>T in individuals affected with Inclusion Body Myopathy 2 and no experimental evidence demonstrating its impact on protein function have been reported. No submitters have cited clinical-significance assessments for this variant to ClinVar after 2014. Based on the evidence outlined above, the variant was classified as uncertain significance.